The following is an entry in ClinVar:

NM_002206.3(ITGA7):c.2957A>T (p.Glu986Val)

Gene: ITGA7 (integrin subunit alpha 7; minus strand). Cytogenetic location: 12q13.2.
Variant type: single nucleotide variant.
Coding change: c.2957A>T on transcript NM_002206.3 (MANE Select); coding-DNA position 2957, A replaced by T.
Protein change: p.Glu986Val; replaces glutamic acid 986 with valine.
Molecular consequence: missense variant.
Genome position (GRCh38, 1-based): chr12:55,688,845, T>A on the plus strand (A>T on the coding strand, the complement: ITGA7 is on the minus strand). VCF-style: chr12-55688845-T-A. GRCh37 (hg19) VCF-style: chr12-56082629-T-A.
Other names: c.2969A>T, p.Glu990Val (NM_001144996.2); c.2678A>T, p.Glu893Val (NM_001144997.2); c.2630A>T, p.Glu877Val (NM_001367993.1); c.1613A>T, p.Glu538Val (NM_001367994.1); c.2939A>T, p.Glu980Val (NM_001374465.1); c.3089A>T, p.Glu1030Val (NM_001410977.1); c.2951A>T, p.Glu984Val (NM_001414029.1); c.2882A>T, p.Glu961Val (NM_001414030.1); and 5 more; short protein forms E538V, E877V, E893V, E986V, E990V, E980V, E1030V, E946V.
Identifiers: ClinVar variation 1515720 (VCV001515720.4), dbSNP rs1478962916, ClinGen allele CA385180924.

ClinVar aggregate classification (germline): Uncertain significance (1 of 4 stars; one submission).

Conditions:
Congenital muscular dystrophy due to integrin alpha-7 deficiency. Also called: MYOPATHY, CONGENITAL, DUE TO INTEGRIN ALPHA-7 DEFICIENCY; Congenital muscular dystrophy with integrin alpha-7 deficiency; Muscular dystrophy, congenital, due to ITGA7 deficiency. Identifiers: Orphanet 34520, MedGen C2750786, MONDO:0013177, OMIM 613204.

Allele frequency attached by ClinVar (database versions not stated): gnomAD exomes below 0.00001; TOPMed below 0.00001.
gnomAD v4.1: 1 of 1,611,932 alleles (0.000062%); highest among the groups gnomAD compares: Non-Finnish European, 0.000085%; no homozygotes.

Submission:

Labcorp Genetics (formerly Invitae), Labcorp
Classification: Uncertain significance for Congenital muscular dystrophy due to integrin alpha-7 deficiency. Last evaluated: 2022-06-27. Review status: criteria provided, single submitter. Criteria: Invitae Variant Classification Sherloc (09022015). Collection method: clinical testing. Allele origin: germline.
Comment: In summary, the available evidence is currently insufficient to determine the role of this variant in disease. Therefore, it has been classified as a Variant of Uncertain Significance. Algorithms developed to predict the effect of sequence changes on RNA splicing suggest that this variant may create or strengthen a splice site. Algorithms developed to predict the effect of missense changes on protein structure and function are either unavailable or do not agree on the potential impact of this missense change (SIFT: "Deleterious"; PolyPhen-2: "Probably Damaging"; Align-GVGD: "Class C0"). This variant has not been reported in the literature in individuals affected with ITGA7-related conditions. This variant is not present in population databases (gnomAD no frequency). This sequence change replaces glutamic acid, which is acidic and polar, with valine, which is neutral and non-polar, at codon 986 of the ITGA7 protein (p.Glu986Val).